The following is an entry in ClinVar:

ClinVar aggregate classification (germline): Uncertain significance (1 of 4 stars; one submission).

Conditions:
Hereditary cancer-predisposing syndrome. Also called: Tumor predisposition; Neoplastic Syndromes, Hereditary; Hereditary Cancer Syndrome; Hereditary neoplastic syndrome. Identifiers: Orphanet 140162, MedGen C0027672, MeSH D009386, MONDO:0015356.

Submission:

Ambry Genetics
Classification: Uncertain significance for Hereditary cancer-predisposing syndrome. Last evaluated: 2025-01-13. Review status: criteria provided, single submitter. Criteria: Ambry Variant Classification Scheme 2023. Collection method: clinical testing. Allele origin: germline.
Comment: The p.Q714K variant (also known as c.2140C>A), located in coding exon 12 of the PMS2 gene, results from a C to A substitution at nucleotide position 2140. The glutamine at codon 714 is replaced by lysine, an amino acid with similar properties. This amino acid position is conserved. In addition, this alteration is predicted to be tolerated by in silico analysis. Based on the available evidence, the clinical significance of this variant remains unclear.

NM_000535.7(PMS2):c.2140C>A (p.Gln714Lys)

Gene: PMS2 (PMS1 homolog 2, mismatch repair system component; minus strand). Cytogenetic location: 7p22.1.
Variant type: single nucleotide variant.
Coding change: c.2140C>A on transcript NM_000535.7 (MANE Select); coding-DNA position 2140, C replaced by A.
Protein change: p.Gln714Lys; replaces glutamine 714 with lysine.
Molecular consequence: missense variant. On other transcripts: non-coding transcript variant (1), intron variant (4).
Genome position (GRCh38, 1-based): chr7:5,982,858, G>T on the plus strand (C>A on the coding strand, the complement: PMS2 is on the minus strand). VCF-style: chr7-5982858-G-T. GRCh37 (hg19) VCF-style: chr7-6022489-G-T.
Other names: c.1735C>A, p.Gln579Lys (NM_001322003.2, NM_001322004.2, NM_001322005.2 and 14 more transcripts); c.1984C>A, p.Gln662Lys (NM_001322006.2, NM_001406870.1); c.1822C>A, p.Gln608Lys (NM_001322007.2, NM_001322008.2, NM_001406876.1 and 1 more transcripts); c.1579C>A, p.Gln527Lys (NM_001322010.2, NM_001406906.1, NM_001406907.1); c.1207C>A, p.Gln403Lys (NM_001322011.2, NM_001322012.2); c.1567C>A, p.Gln523Lys (NM_001322013.2, NM_001406909.1); c.2140C>A, p.Gln714Lys (NM_001322014.2, NM_001406871.1); c.1831C>A, p.Gln611Lys (NM_001322015.2, NM_001406875.1, NM_001406877.1 and 5 more transcripts); and 16 more; short protein forms Q403K, Q611K, Q678K, Q714K, Q523K, Q579K, Q592K, Q606K.
Identifiers: ClinVar variation 3890983 (VCV003890983.1).